The following is an entry in ClinVar:

NC_000011.10:g.47332981C>A

Gene: MYBPC3 (myosin binding protein C3; minus strand). Cytogenetic location: 11p11.2.
Variant type: single nucleotide variant.
Genome position: GRCh38 VCF-style: chr11-47332981-C-A. GRCh37 (hg19) VCF-style: chr11-47354532-C-A.
Other names: c.3331-8G>T (NM_000256.3, LRG_386t1).
Identifiers: ClinVar variation 636466 (VCV000636466.3), dbSNP rs770723664, ClinGen allele CA079318.

ClinVar aggregate classification (germline): Conflicting classifications of pathogenicity. Review status: criteria provided, conflicting classifications (1 of 4 stars). 2 submissions from 2 submitters: Uncertain significance (1); Likely benign (1). Last evaluated 2024-06-09.

Conditions:
Hypertrophic cardiomyopathy. Also called: HYPERTROPHIC MYOCARDIOPATHY. Identifiers: Orphanet 217569, MedGen C0007194, MeSH D002312, MONDO:0005045, HP:0001639.

Allele frequency attached by ClinVar (database versions not stated): TOPMed below 0.00001; ExAC 0.00001; gnomAD 0.00001.

Submissions (2):

All of Us Research Program, National Institutes of Health
Classification: Likely benign for Hypertrophic cardiomyopathy. Last evaluated: 2024-06-09. Review status: criteria provided, single submitter. Criteria: ACMG Guidelines, 2015. Collection method: clinical testing. Allele origin: germline. Inheritance: Autosomal dominant inheritance. Observed: 1 variant allele, 1 heterozygote.
Comment: This study involves interpretation of variants in research participants for the purpose of population health screening. Participant phenotype was not available at the time of variant classification. Additional details can be found in publication PMID: 35346344, PMCID: PMC8962531

Blueprint Genetics
Classification: Uncertain significance. Last evaluated: 2017-08-04. Review status: criteria provided, single submitter. Criteria: ACMG Guidelines, 2015. Collection method: clinical testing. Allele origin: germline.